The following is an entry in ClinVar:

ClinVar aggregate classification (germline): Uncertain significance (1 of 4 stars; one submission).

Conditions:
Inborn genetic diseases. Identifiers: MedGen C0950123, MeSH D030342.

gnomAD v4.1: 1 of 1,614,212 alleles (0.000062%); highest among the groups gnomAD compares: Non-Finnish European, 0.000085%; no homozygotes.

Submission:

Ambry Genetics
Classification: Uncertain significance for Inborn genetic diseases. Last evaluated: 2023-09-09. Review status: criteria provided, single submitter. Criteria: Ambry Variant Classification Scheme 2023. Collection method: clinical testing. Allele origin: germline.
Comment: The p.V194F variant (also known as c.580G>T), located in coding exon 6 of the MDH2 gene, results from a G to T substitution at nucleotide position 580. The valine at codon 194 is replaced by phenylalanine, an amino acid with highly similar properties. This amino acid position is conserved. In addition, this alteration is predicted to be deleterious by in silico analysis. Since supporting evidence is limited at this time, the clinical significance of this alteration remains unclear.

NM_005918.4(MDH2):c.580G>T (p.Val194Phe)

Gene: MDH2 (malate dehydrogenase 2; plus strand). Cytogenetic location: 7q11.23.
Variant type: single nucleotide variant.
Coding change: c.580G>T on transcript NM_005918.4 (MANE Select); coding-DNA position 580, G replaced by T.
Protein change: p.Val194Phe; replaces valine 194 with phenylalanine.
Molecular consequence: missense variant.
Genome position (GRCh38, 1-based): chr7:76,063,539, G>T. VCF-style: chr7-76063539-G-T. GRCh37 (hg19) VCF-style: chr7-75692857-G-T.
Other names: c.454G>T, p.Val152Phe (NM_001282403.2); c.259G>T, p.Val87Phe (NM_001282404.2); short protein forms V152F, V87F, V194F.
Identifiers: ClinVar variation 1749839 (VCV001749839.3), dbSNP rs574256155, ClinGen allele CA367766639.